The following is an entry in ClinVar:

ClinVar aggregate classification (germline): Benign/Likely benign. Review status: criteria provided, multiple submitters, no conflicts (2 of 4 stars). 5 submissions from 5 submitters: Benign (1); Likely benign (4). Last evaluated 2026-05-01.

Allele frequency attached by ClinVar (database versions not stated): ExAC 0.00048; TOPMed 0.00086; gnomAD 0.00091 and 0.00096; 1000 Genomes Project 30x 0.00125.

Submissions (5):

CeGaT Center for Human Genetics Tuebingen
Classification: Likely benign. Last evaluated: 2026-05-01. Review status: criteria provided, single submitter. Criteria: CeGaT Center For Human Genetics Tuebingen Variant Classification Criteria Version 2. Collection method: clinical testing. Allele origin: germline. Affected: yes. Observed: 2 variant alleles.
Comment: TUBA1A: BP4, BP7

Labcorp Genetics (formerly Invitae), Labcorp
Classification: Likely benign. Last evaluated: 2025-12-21. Review status: criteria provided, single submitter. Criteria: Invitae Variant Classification Sherloc (09022015). Collection method: clinical testing. Allele origin: germline.

Blueprint Genetics
Classification: Likely benign. Last evaluated: 2024-08-06. Review status: criteria provided, single submitter. Criteria: ACMG Guidelines, 2015. Collection method: clinical testing. Allele origin: germline.

Genetic Services Laboratory, University of Chicago
Classification: Likely benign. Last evaluated: 2015-12-28. Review status: criteria provided, single submitter. Criteria: ACMG Guidelines, 2015. Collection method: clinical testing. Allele origin: germline. Affected: no.

GeneDx
Classification: Benign. Last evaluated: 2015-03-03. Review status: criteria provided, single submitter. Criteria: GeneDx Variant Classification Process June 2021. Collection method: clinical testing. Allele origin: germline. Affected: yes.

NM_006009.4(TUBA1A):c.786T>C (p.Tyr262=)

Gene: TUBA1A (tubulin alpha 1a; minus strand). Cytogenetic location: 12q13.12.
Variant type: single nucleotide variant.
Coding change: c.786T>C on transcript NM_006009.4 (MANE Select); coding-DNA position 786, T replaced by C.
Protein change: p.Tyr262=; no amino-acid change (tyrosine 262 retained).
Molecular consequence: synonymous variant.
Genome position (GRCh38, 1-based): chr12:49,185,580, A>G on the plus strand (T>C on the coding strand, the complement: TUBA1A is on the minus strand). VCF-style: chr12-49185580-A-G. GRCh37 (hg19) VCF-style: chr12-49579363-A-G.
Other names: c.786T>C, p.Tyr262= (NM_001270399.2); c.681T>C, p.Tyr227= (NM_001270400.2).
Identifiers: ClinVar variation 212493 (VCV000212493.20), dbSNP rs762008241, ClinGen allele CA207281.